The following is an entry in ClinVar:

NM_000273.3(GPR143):c.271G>A (p.Val91Met)

Gene: GPR143 (G protein-coupled receptor 143; minus strand). Cytogenetic location: Xp22.2.
Variant type: single nucleotide variant.
Coding change: c.271G>A on transcript NM_000273.3 (MANE Select); coding-DNA position 271, G replaced by A.
Protein change: p.Val91Met; replaces valine 91 with methionine.
Molecular consequence: missense variant.
Genome position (GRCh38, 1-based): chrX:9,760,806, C>T on the plus strand (G>A on the coding strand, the complement: GPR143 is on the minus strand). VCF-style: chrX-9760806-C-T. GRCh37 (hg19) VCF-style: chrX-9728846-C-T.
Other names: c.271G>A (NM_000273.2); short protein forms V91M.
Identifiers: ClinVar variation 1426337 (VCV001426337.7), dbSNP rs368303218, ClinGen allele CA10345072.

ClinVar aggregate classification (germline): Uncertain significance. Review status: criteria provided, multiple submitters, no conflicts (2 of 4 stars). 2 submissions from 2 submitters: Uncertain significance (2). Last evaluated 2025-09-16.

Conditions:
Inborn genetic diseases. Identifiers: MedGen C0950123, MeSH D030342.

Allele frequency attached by ClinVar (database versions not stated): ExAC 0.00002; ESP Exome Variant Server 0.00009; gnomAD exomes 0.00003 and 0.00002; TOPMed 0.00003.
gnomAD v4.1: 19 of 1,138,417 alleles (0.0017%); highest among the groups gnomAD compares: Middle Eastern, 0.024%; no homozygotes.

Submissions (2):

Labcorp Genetics (formerly Invitae), Labcorp
Classification: Uncertain significance. Last evaluated: 2025-09-16. Review status: criteria provided, single submitter. Criteria: Invitae Variant Classification Sherloc (09022015). Collection method: clinical testing. Allele origin: germline.
Comment: This sequence change replaces valine, which is neutral and non-polar, with methionine, which is neutral and non-polar, at codon 91 of the GPR143 protein (p.Val91Met). This variant is present in population databases (rs368303218, gnomAD 0.01%). This variant has not been reported in the literature in individuals affected with GPR143-related conditions. ClinVar contains an entry for this variant (Variation ID: 1426337). Invitae Evidence Modeling of protein sequence and biophysical properties (such as structural, functional, and spatial information, amino acid conservation, physicochemical variation, residue mobility, and thermodynamic stability) has been performed for this missense variant. However, the output from this modeling did not meet the statistical confidence thresholds required to predict the impact of this variant on GPR143 protein function. In summary, the available evidence is currently insufficient to determine the role of this variant in disease. Therefore, it has been classified as a Variant of Uncertain Significance.

Ambry Genetics
Classification: Uncertain significance for Inborn genetic diseases. Last evaluated: 2025-05-21. Review status: criteria provided, single submitter. Criteria: Ambry Variant Classification Scheme 2023. Collection method: clinical testing. Allele origin: germline.